The following is an entry in ClinVar:

ClinVar aggregate classification (germline): Uncertain significance (1 of 4 stars; one submission).

Conditions:
NR1H4-related disorder. Also called: NR1H4-related condition.

Submission:

PreventionGenetics, part of Exact Sciences
Classification: Uncertain significance for NR1H4-related condition. Last evaluated: 2025-10-13. Review status: criteria provided, single submitter. Criteria: ACMG Guidelines, 2015. Collection method: clinical testing. Allele origin: germline.
Comment: The NR1H4 c.1156A>G variant is predicted to result in the amino acid substitution p.Thr386Ala. To our knowledge, this variant has not been reported in the literature or in a large population database (gnomAD), indicating this variant is rare. At this time, the clinical significance of this variant is uncertain due to the absence of conclusive functional and genetic evidence.

NM_001206979.2(NR1H4):c.1168A>G (p.Thr390Ala)

Gene: NR1H4 (nuclear receptor subfamily 1 group H member 4; plus strand). Cytogenetic location: 12q23.1.
Variant type: single nucleotide variant.
Coding change: c.1168A>G on transcript NM_001206979.2 (MANE Select); coding-DNA position 1168, A replaced by G.
Protein change: p.Thr390Ala; replaces threonine 390 with alanine.
Molecular consequence: missense variant. On other transcripts: non-coding transcript variant (1).
Genome position (GRCh38, 1-based): chr12:100,561,974, A>G. VCF-style: chr12-100561974-A-G. GRCh37 (hg19) VCF-style: chr12-100955752-A-G.
Other names: c.1168A>G, p.Thr390Ala (NM_001206977.2); c.1015A>G, p.Thr339Ala (NM_001206978.2); c.1186A>G, p.Thr396Ala (NM_001206992.2); c.1198A>G, p.Thr400Ala (NM_001206993.2); c.1156A>G, p.Thr386Ala (NM_005123.4); short protein forms T396A, T390A, T386A, T400A, T339A.
Identifiers: ClinVar variation 4996459 (VCV004996459.1).